The following is an entry in ClinVar:

ClinVar aggregate classification (germline): Pathogenic/Likely pathogenic. Review status: no assertion criteria provided (0 of 4 stars). 2 submissions from 2 submitters: Pathogenic (1); Likely pathogenic (1). Last evaluated 2021-04-06.

Conditions:
Retinitis pigmentosa (RP). Identifiers: Orphanet 791, MedGen C0035334, MeSH D012174, MONDO:0019200, OMIM 268000. Inheritance: Autosomal dominant, autosomal recessive and X linked inheritance.

Submissions (2):

Leiden Open Variation Database
Classification: Pathogenic. Last evaluated: 2021-04-06. Review status: no assertion criteria provided. Collection method: curation. Allele origin: germline. Affected: yes.
Comment: Curator: Global Variome, with Curator vacancy. Submitters to LOVD: Global Variome, with Curator vacancy, Julia Lopez, Manon Peeters.

Sharon lab, Hadassah-Hebrew University Medical Center
Classification: Likely pathogenic for Retinitis pigmentosa. Last evaluated: 2019-06-23. Review status: no assertion criteria provided. Collection method: research. Allele origin: inherited. Affected: yes.

Literature cited by the submitters: PubMed 16799052 (cited by Leiden Open Variation Database); PubMed 25447119 (cited by Leiden Open Variation Database); PubMed 31456290 (cited by Leiden Open Variation Database).

NM_000322.5(PRPH2):c.594C>G (p.Ser198Arg)

Gene: PRPH2 (peripherin 2; minus strand). Cytogenetic location: 6p21.1.
Variant type: single nucleotide variant.
Coding change: c.594C>G on transcript NM_000322.5 (MANE Select); coding-DNA position 594, C replaced by G.
Protein change: p.Ser198Arg; replaces serine 198 with arginine.
Molecular consequence: missense variant.
Genome position (GRCh38, 1-based): chr6:42,704,599, G>C on the plus strand (C>G on the coding strand, the complement: PRPH2 is on the minus strand). VCF-style: chr6-42704599-G-C. GRCh37 (hg19) VCF-style: chr6-42672337-G-C.
Other names: short protein forms S198R.
Identifiers: ClinVar variation 812386 (VCV000812386.2), dbSNP rs375978676, ClinGen allele CA364135819.
Genomic context (GRCh38, chr6:42,704,599, plus strand): 5'-CGAGCTAGGATTGCAGCAGCTGAAAGGGACGCCGTCCACCAGGTACCGCCCATCCACGTT[G>C]CTCTTGATTCGACTTAAAGGGAAACAGACAGCTGGAGATGGGCTTCCCGGGCTTCTCAAC-3'
Protein context (NP_000313.2, residues 188-208): SSKEVKDRIK[Ser198Arg]NVDGRYLVDG